The following is an entry in ClinVar:

NM_000238.4(KCNH2):c.1825_1830del (p.Asp609_Lys610del)

Gene: KCNH2 (potassium voltage-gated channel subfamily H member 2; minus strand). Cytogenetic location: 7q36.1.
Variant type: Deletion.
Coding change: c.1825_1830del on transcript NM_000238.4 (MANE Select); coding-DNA positions 1825 to 1830, 6 bases deleted (GACAAG; older notation c.1825_1830delGACAAG).
Protein change: p.Asp609_Lys610del.
Molecular consequence: inframe deletion. On other transcripts: inframe indel (5).
Genome position (GRCh38, 1-based): chr7:150,951,563-150,951,568, CTTGTC deleted on the plus strand (GACAAG on the coding strand, the reverse complement: KCNH2 is on the minus strand); deleting any 6 consecutive bases within chr7:150,951,563-150,951,572 gives the same sequence; the c. name uses the placement nearest the transcript's 3' end. VCF-style (leftmost placement, unchanged base first): chr7-150951562-ACTTGTC-A. GRCh37 (hg19) VCF-style: chr7-150648650-ACTTGTC-A.
Other names: c.805_810del, p.Asp269_Lys270del (NM_001204798.2, NM_172057.3); c.1533_1538delCAAGGA, p.Asp513_Lys514del (NM_001406753.1, NM_001406756.1); c.1644_1649delCAAGGA, p.Asp550_Lys551del (NM_001406755.1); c.1521_1526delCAAGGA, p.Asp509_Lys510del (NM_001406757.1); c.1821_1826delCAAGGA, p.Asp609_Lys610del (NM_172056.3).
Identifiers: ClinVar variation 1058879 (VCV001058879.11), dbSNP rs2116960605, ClinGen allele CA2499218805.

ClinVar aggregate classification (germline): Pathogenic (1 of 4 stars; one submission).

Conditions:
Long QT syndrome (LQTS). Identifiers: MedGen C0023976, MeSH D008133, MONDO:0002442. Disease mechanism: loss of function. Inheritance: Various modes of inheritance.

Submission:

Labcorp Genetics (formerly Invitae), Labcorp
Classification: Pathogenic for Long QT syndrome. Last evaluated: 2023-07-17. Review status: criteria provided, single submitter. Criteria: Invitae Variant Classification Sherloc (09022015). Collection method: clinical testing. Allele origin: germline.
Comment: For these reasons, this variant has been classified as Pathogenic. This variant disrupts a region of the KCNH2 protein in which other variant(s) (p.Lys610Glu) have been determined to be pathogenic (Invitae). This suggests that this is a clinically significant region of the protein, and that variants that disrupt it are likely to be disease-causing. Experimental studies and prediction algorithms are not available or were not evaluated, and the functional significance of this variant is currently unknown. ClinVar contains an entry for this variant (Variation ID: 1058879). This variant has not been reported in the literature in individuals affected with KCNH2-related conditions. This variant is not present in population databases (gnomAD no frequency). This variant, c.1825_1830del, results in the deletion of 2 amino acid(s) of the KCNH2 protein (p.Asp609_Lys610del), but otherwise preserves the integrity of the reading frame.